The following is an entry in ClinVar:

NM_018941.4(CLN8):c.46C>A (p.Leu16Met)

Gene: CLN8 (CLN8 transmembrane ER and ERGIC protein; plus strand). Cytogenetic location: 8p23.3.
Variant type: single nucleotide variant.
Coding change: c.46C>A on transcript NM_018941.4 (MANE Select); coding-DNA position 46, C replaced by A.
Protein change: p.Leu16Met; replaces leucine 16 with methionine.
Molecular consequence: missense variant.
Genome position (GRCh38, 1-based): chr8:1,771,100, C>A. VCF-style: chr8-1771100-C-A. GRCh37 (hg19) VCF-style: chr8-1719266-C-A.
Other names: short protein forms L16M.
Identifiers: ClinVar variation 56709 (VCV000056709.13), dbSNP rs386834129, ClinGen allele CA264170.

ClinVar aggregate classification (germline): Uncertain significance. Review status: criteria provided, multiple submitters, no conflicts (2 of 4 stars). 6 submissions from 6 submitters: Uncertain significance (5). 1 of the submissions does not count toward it. Last evaluated 2025-08-17.

Conditions:
Neuronal ceroid lipofuscinosis. Also called: Neuronal Ceroid Lipofuscinoses. Identifiers: Orphanet 216, Orphanet 79263, MedGen C0027877, MONDO:0016295. Disease mechanism: loss of function.
Neuronal ceroid lipofuscinosis 8 (CLN8). Also called: CLN8-Related Neuronal Ceroid-Lipofuscinosis. Identifiers: Orphanet 168491, Orphanet 228354, Orphanet 79264, MedGen C1838570, MONDO:0010830, OMIM 600143.
Neuronal ceroid lipofuscinosis 8 northern epilepsy variant. Also called: EPILEPSY, PROGRESSIVE, WITH MENTAL RETARDATION; NORTHERN EPILEPSY. Identifiers: Orphanet 1947, MedGen C1864923, MONDO:0012391, OMIM 610003.

Allele frequency attached by ClinVar (database versions not stated): TOPMed below 0.00001; gnomAD 0.00001; ExAC 0.00002.
gnomAD v4.1: 53 of 1,613,896 alleles (0.0033%); highest among the groups gnomAD compares: Middle Eastern, 0.033%; no homozygotes.

Submissions (6):

Labcorp Genetics (formerly Invitae), Labcorp
Classification: Uncertain significance for Neuronal ceroid lipofuscinosis. Last evaluated: 2025-08-17. Review status: criteria provided, single submitter. Criteria: Invitae Variant Classification Sherloc (09022015). Collection method: clinical testing. Allele origin: germline.
Comment: This sequence change replaces leucine, which is neutral and non-polar, with methionine, which is neutral and non-polar, at codon 16 of the CLN8 protein (p.Leu16Met). This variant is present in population databases (rs386834129, gnomAD 0.01%). This missense change has been observed in individual(s) with neuronal ceroid lipofuscinosis (PMID: 15024724). ClinVar contains an entry for this variant (Variation ID: 56709). Invitae Evidence Modeling of protein sequence and biophysical properties (such as structural, functional, and spatial information, amino acid conservation, physicochemical variation, residue mobility, and thermodynamic stability) indicates that this missense variant is not expected to disrupt CLN8 protein function with a negative predictive value of 95%. In summary, the available evidence is currently insufficient to determine the role of this variant in disease. Therefore, it has been classified as a Variant of Uncertain Significance.

Women's Health and Genetics/Laboratory Corporation of America, LabCorp
Classification: Uncertain significance. Last evaluated: 2023-07-27. Review status: criteria provided, single submitter. Criteria: LabCorp Variant Classification Summary - May 2015. Collection method: clinical testing. Allele origin: germline.
Comment: Variant summary: CLN8 c.46C>A (p.Leu16Met) results in a conservative amino acid change in the encoded protein sequence. Five of five in-silico tools predict a benign effect of the variant on protein function. The variant allele was found at a frequency of 2e-05 in 251488 control chromosomes (gnomAD). The available data on variant occurrences in the general population are insufficient to allow any conclusion about variant significance. c.46C>A has been reported in the literature in the homozygous state in two siblings affected with Neuronal Ceroid-Lipofuscinosis (Batten Disease) from a consanguineous Turkish family, however it was reported as a complex allele together with c.509C>T, p.Thr170Met (Ranta_2004). To our knowledge, no other occurrences of c.46C>A in affected individuals and no experimental evidence demonstrating an impact on protein function have been reported. Therefore, this report does not provide unequivocal conclusions about association of the variant with disease. The following publication has been ascertained in the context of this evaluation (PMID: 15024724). Four submitters have cited clinical-significance assessments for this variant to ClinVar after 2014. All submitters classified the variant as uncertain significance. Based on the evidence outlined above, the variant was classified as uncertain significance.

Fulgent Genetics
Classification: Uncertain significance for Neuronal ceroid lipofuscinosis 8; Neuronal ceroid lipofuscinosis 8 northern epilepsy variant. Last evaluated: 2022-05-02. Review status: criteria provided, single submitter. Criteria: ACMG Guidelines, 2015. Collection method: clinical testing. Allele origin: unknown.

Genomic Research Center, Shahid Beheshti University of Medical Sciences
Classification: Uncertain significance for Ceroid lipofuscinosis neuronal 8. Last evaluated: 2018-08-07. Review status: criteria provided, single submitter. Criteria: ACMG Guidelines, 2015. Collection method: clinical testing. Allele origin: inherited. Affected: no. Observed: 1 variant allele.

Eurofins Ntd Llc (ga)
Classification: Uncertain significance. Last evaluated: 2015-08-24. Review status: criteria provided, single submitter. Criteria: EGL Classification Definitions 2015. Collection method: clinical testing. Allele origin: germline. Observed: 1 variant allele, 1 heterozygote.

Juha Muilu Group; Institute for Molecular Medicine Finland (FIMM)
Classification: Likely pathogenic for Ceroid lipofuscinosis neuronal 8. Review status: no assertion criteria provided. Collection method: not provided. Allele origin: unknown. Not counted in ClinVar's aggregate classification.
Comment: FinDis database variant: This variant was not found or characterized by our laboratory, data were collected from public sources: see reference
ClinVar note: Converted during submission from probable-pathogenic to Likely pathogenic.

Literature cited by the submitters: PubMed 15024724 (cited by Labcorp Genetics (formerly Invitae), Labcorp and Women's Health and Genetics/Laboratory Corporation of America, LabCorp).